The following is an entry in ClinVar:

NM_021020.5(LZTS1):c.56G>A (p.Arg19Gln)

Gene: LZTS1 (leucine zipper tumor suppressor 1; minus strand). Cytogenetic location: 8p21.3.
Variant type: single nucleotide variant.
Coding change: c.56G>A on transcript NM_021020.5 (MANE Select); coding-DNA position 56, G replaced by A.
Protein change: p.Arg19Gln; replaces arginine 19 with glutamine.
Molecular consequence: missense variant.
Genome position (GRCh38, 1-based): chr8:20,255,126, C>T on the plus strand (G>A on the coding strand, the complement: LZTS1 is on the minus strand). VCF-style: chr8-20255126-C-T. GRCh37 (hg19) VCF-style: chr8-20112637-C-T.
Other names: c.56G>A, p.Arg19Gln (NM_001362884.2); short protein forms R19Q.
Identifiers: ClinVar variation 2044857 (VCV002044857.6), dbSNP rs201301606, ClinGen allele CA4657609.
Genomic context (GRCh38, chr8:20,255,126, plus strand): 5'-TCGGAATACCGGTTGAGCTTCTTGAGGTGGGAGGACTTGCGCAGCTTGTACTGCGAAGCC[C>T]GGCAGTGCTTGCTGTGGAAGCTGTGGCCGGAGATGAGGCTACTGACGCTGCCCATGGTGA-3'
Protein context (NP_066300.1, residues 9-29): SGHSFHSKHC[Arg19Gln]ASQYKLRKSS

ClinVar aggregate classification (germline): Uncertain significance. Review status: criteria provided, multiple submitters, no conflicts (2 of 4 stars). 2 submissions from 2 submitters: Uncertain significance (2). Last evaluated 2026-01-21.

Allele frequency attached by ClinVar (database versions not stated): ExAC 0.00002; ESP Exome Variant Server 0.00008; TOPMed 0.00008; gnomAD 0.00011; 1000 Genomes Project 30x 0.00016; 1000 Genomes Project 0.00020.
gnomAD v4.1: 140 of 1,614,120 alleles (0.0087%); highest among the groups gnomAD compares: African/African-American, 0.012%; no homozygotes.

Submissions (2):

Labcorp Genetics (formerly Invitae), Labcorp
Classification: Uncertain significance. Last evaluated: 2026-01-21. Review status: criteria provided, single submitter. Criteria: Invitae Variant Classification Sherloc (09022015). Collection method: clinical testing. Allele origin: germline.
Comment: This sequence change replaces arginine, which is basic and polar, with glutamine, which is neutral and polar, at codon 19 of the LZTS1 protein (p.Arg19Gln). This variant is present in population databases (rs201301606, gnomAD 0.01%). This variant has not been reported in the literature in individuals affected with LZTS1-related conditions. ClinVar contains an entry for this variant (Variation ID: 2044857). Invitae Evidence Modeling of protein sequence and biophysical properties (such as structural, functional, and spatial information, amino acid conservation, physicochemical variation, residue mobility, and thermodynamic stability) indicates that this missense variant is not expected to disrupt LZTS1 protein function with a negative predictive value of 80%. In summary, the available evidence is currently insufficient to determine the role of this variant in disease. Therefore, it has been classified as a Variant of Uncertain Significance.

Ambry Genetics
Classification: Uncertain significance. Last evaluated: 2024-11-14. Review status: criteria provided, single submitter. Criteria: Ambry Variant Classification Scheme 2023. Collection method: clinical testing. Allele origin: germline.